The following is an entry in ClinVar:

NM_001371986.1(UNC80):c.6505T>C (p.Phe2169Leu)

Gene: UNC80 (unc-80 homolog, NALCN channel complex subunit; plus strand). Cytogenetic location: 2q34.
Variant type: single nucleotide variant.
Coding change: c.6505T>C on transcript NM_001371986.1 (MANE Select); coding-DNA position 6505, T replaced by C.
Protein change: p.Phe2169Leu; replaces phenylalanine 2169 with leucine.
Molecular consequence: missense variant.
Genome position (GRCh38, 1-based): chr2:209,939,511, T>C. VCF-style: chr2-209939511-T-C. GRCh37 (hg19) VCF-style: chr2-210804235-T-C.
Other names: c.6307T>C, p.Phe2103Leu (NM_032504.2); c.6292T>C, p.Phe2098Leu (NM_182587.4); c.6307T>C (NM_032504.1); short protein forms F2103L, F2169L, F2098L.
Identifiers: ClinVar variation 1465388 (VCV001465388.4), dbSNP rs374686433, ClinGen allele CA2083384.
Genomic context (GRCh38, chr2:209,939,511, plus strand): 5'-TCCTGCTTTTGTTTTCTCCAGGTGTTCACCCGAAAGCTGGAAGAAGTAGGGCGGGTGTTG[T>C]TTCTCATCTCCCTAACCCAGAAGATCCCCACAGCCCACAAACAGTCCCACGTCTCCATGC-3'
Protein context (NP_001358915.1, residues 2159-2179): RKLEEVGRVL[Phe2169Leu]LISLTQKIPT

ClinVar aggregate classification (germline): Uncertain significance. Review status: criteria provided, multiple submitters, no conflicts (2 of 4 stars). 2 submissions from 2 submitters: Uncertain significance (2). Last evaluated 2023-12-28.

Conditions:
Inborn genetic diseases. Identifiers: MedGen C0950123, MeSH D030342.

Allele frequency attached by ClinVar (database versions not stated): TOPMed 0.00004; ExAC 0.00005; gnomAD 0.00005; ESP Exome Variant Server 0.00022; gnomAD exomes 0.00001.
gnomAD v4.1: 14 of 1,551,330 alleles (0.0009%); highest among the groups gnomAD compares: African/African-American, 0.015%; no homozygotes.

Submissions (2):

Ambry Genetics
Classification: Uncertain significance for Inborn genetic diseases. Last evaluated: 2023-12-28. Review status: criteria provided, single submitter. Criteria: Ambry Variant Classification Scheme 2023. Collection method: clinical testing. Allele origin: germline.

Labcorp Genetics (formerly Invitae), Labcorp
Classification: Uncertain significance. Last evaluated: 2022-07-19. Review status: criteria provided, single submitter. Criteria: Invitae Variant Classification Sherloc (09022015). Collection method: clinical testing. Allele origin: germline.
Comment: This sequence change replaces phenylalanine, which is neutral and non-polar, with leucine, which is neutral and non-polar, at codon 2103 of the UNC80 protein (p.Phe2103Leu). This variant is present in population databases (rs374686433, gnomAD 0.02%). This variant has not been reported in the literature in individuals affected with UNC80-related conditions. ClinVar contains an entry for this variant (Variation ID: 1465388). Algorithms developed to predict the effect of missense changes on protein structure and function are either unavailable or do not agree on the potential impact of this missense change (SIFT: "Not Available"; PolyPhen-2: "Probably Damaging"; Align-GVGD: "Not Available"). In summary, the available evidence is currently insufficient to determine the role of this variant in disease. Therefore, it has been classified as a Variant of Uncertain Significance.